The following is an entry in ClinVar:

ClinVar aggregate classification (germline): Likely benign (1 of 4 stars; one submission).

Allele frequency attached by ClinVar (database versions not stated): 1000 Genomes Project 30x 0.00016.
gnomAD v4.1: 74 of 1,528,830 alleles (0.0048%); highest among the groups gnomAD compares: African/African-American, 0.019%; no homozygotes.

Submission:

CeGaT Center for Human Genetics Tuebingen
Classification: Likely benign. Last evaluated: 2023-01-01. Review status: criteria provided, single submitter. Criteria: CeGaT Center For Human Genetics Tuebingen Variant Classification Criteria Version 2. Collection method: clinical testing. Allele origin: germline. Affected: yes. Observed: 1 variant allele.
Comment: GRID2IP: BP4, BP7

NM_001145118.2(GRID2IP):c.2832C>G (p.Ala944=)

Gene: GRID2IP (Grid2 interacting protein; minus strand). Cytogenetic location: 7p22.1.
Variant type: single nucleotide variant.
Coding change: c.2832C>G on transcript NM_001145118.2 (MANE Select); coding-DNA position 2832, C replaced by G.
Protein change: p.Ala944=; no amino-acid change (alanine 944 retained).
Molecular consequence: synonymous variant.
Genome position (GRCh38, 1-based): chr7:6,503,566, G>C on the plus strand (C>G on the coding strand, the complement: GRID2IP is on the minus strand). VCF-style: chr7-6503566-G-C. GRCh37 (hg19) VCF-style: chr7-6543197-G-C.
Other names: c.2259C>G, p.Ala753= (NM_001388403.1); c.2283C>G, p.Ala761= (NM_001394781.1).
Identifiers: ClinVar variation 2657301 (VCV002657301.24), dbSNP rs1003837078, ClinGen allele CA153348016.